The following is an entry in ClinVar:

NM_000540.3(RYR1):c.7233del (p.Glu2412fs)

Gene: RYR1 (ryanodine receptor 1; plus strand). Cytogenetic location: 19q13.2.
Variant type: Deletion.
Coding change: c.7233del on transcript NM_000540.3 (MANE Select); coding-DNA position 7233, one base deleted (T; older notation c.7233delT).
Protein change: p.Glu2412fs; shifts the reading frame from glutamic acid 2412.
Molecular consequence: frameshift variant.
Genome position (GRCh38, 1-based): chr19:38,499,926, T deleted. VCF-style (leftmost placement, unchanged base first): chr19-38499925-CT-C. GRCh37 (hg19) VCF-style: chr19-38990565-CT-C.
Other names: c.7233del, p.Glu2412fs (NM_001042723.2); short protein forms E2412fs.
Identifiers: ClinVar variation 2672298 (VCV002672298.1), dbSNP rs2145601896, ClinGen allele CA2573156328.

ClinVar aggregate classification (germline): Likely pathogenic (1 of 4 stars; one submission).

Conditions:
Malignant hyperthermia, susceptibility to, 1 (MHS1). Also called: Anesthesia related hyperthermia; Malignant hyperpyrexia; Fulminating hyperpyrexia; Pharmacogenic myopathy; RYR1-Related Malignant Hyperthermia Susceptibility; Malignant hyperthermia suceptibility 1. Identifiers: Orphanet 423, MedGen C2930980, MONDO:0007783, OMIM 145600.

Submission:

Laboratorio de Genetica e Diagnostico Molecular, Hospital Israelita Albert Einstein
Classification: Likely pathogenic for Malignant hyperthermia, susceptibility to, 1. Last evaluated: 2019-09-26. Review status: criteria provided, single submitter. Criteria: ACMG Guidelines, 2015. Collection method: clinical testing. Allele origin: germline.
Comment: ACMG classification criteria: PVS1, PM2